The following is an entry in ClinVar:

NM_017739.4(POMGNT1):c.46C>T (p.Arg16Trp)

Gene: POMGNT1 (protein O-linked mannose N-acetylglucosaminyltransferase 1 (beta 1,2-); minus strand). Cytogenetic location: 1p34.1.
Variant type: single nucleotide variant.
Coding change: c.46C>T on transcript NM_017739.4 (MANE Select); coding-DNA position 46, C replaced by T.
Protein change: p.Arg16Trp; replaces arginine 16 with tryptophan.
Molecular consequence: missense variant.
Genome position (GRCh38, 1-based): chr1:46,197,776, G>A on the plus strand (C>T on the coding strand, the complement: POMGNT1 is on the minus strand). VCF-style: chr1-46197776-G-A. GRCh37 (hg19) VCF-style: chr1-46663448-G-A.
Other names: p.Arg16Trp; c.46C>T, p.Arg16Trp (NM_001243766.2); short protein forms R16W.
Identifiers: ClinVar variation 286147 (VCV000286147.20), dbSNP rs34058684, ClinGen allele CA833891.
Genomic context (GRCh38, chr1:46,197,776, plus strand): 5'-GCAGGGCCCGCTGGTTTGTCAGTTTATACTTCCAGGTAAGGTACCAGCTCCGCTTCTTCC[G>A]AGCCCCAAAGGGCTTGATGAGGGGGCTGGGCTTCCAGTCGTCCATACCGGATTGGCGGGT-3'
Protein context (NP_060209.4, residues 6-26): PSPLIKPFGA[Arg16Trp]KKRSWYLTWK

ClinVar aggregate classification (germline): Uncertain significance. Review status: criteria provided, multiple submitters, no conflicts (2 of 4 stars). 9 submissions from 8 submitters: Uncertain significance (8). 1 of the submissions does not count toward it. Last evaluated 2023-10-16.

Conditions:
Congenital Muscular Dystrophy, alpha-dystroglycan related.
Autosomal recessive limb-girdle muscular dystrophy type 2O. Also called: MUSCULAR DYSTROPHY-DYSTROGLYCANOPATHY, LIMB-GIRDLE, POMGNT1-RELATED; Limb-Girdle Muscular Dystrophy Type 3C; MUSCULAR DYSTROPHY-DYSTROGLYCANOPATHY (LIMB-GIRDLE), TYPE C, 3. Identifiers: Orphanet 206564, MedGen C3150417, MONDO:0013161, OMIM 613157.
Muscular dystrophy-dystroglycanopathy (congenital with impaired intellectual development), type B, 3. Also called: Muscular dystrophy-dystroglycanopathy (congenital with intellectual disability), type B3; MUSCULAR DYSTROPHY, CONGENITAL, POMGNT1-RELATED. Identifiers: MedGen C3150412, MONDO:0013155, OMIM 613151.
Muscle eye brain disease (MEB). Also called: Santavuori congenital muscular dystrophy. Identifiers: Orphanet 588, Orphanet 899, MedGen C0457133, MONDO:0018939.

Allele frequency attached by ClinVar (database versions not stated): gnomAD exomes 0.00003; ExAC 0.00004; TOPMed 0.00012; ESP Exome Variant Server 0.00038.
gnomAD v4.1: 193 of 1,614,030 alleles (0.012%); highest among the groups gnomAD compares: Non-Finnish European, 0.014%; 1 homozygote.

Submissions (9):

Blueprint Genetics
Classification: Uncertain significance. Last evaluated: 2023-10-16. Review status: criteria provided, single submitter. Criteria: ACMG Guidelines, 2015. Collection method: clinical testing. Allele origin: germline.

Labcorp Genetics (formerly Invitae), Labcorp
Classification: Uncertain significance for Autosomal recessive limb-girdle muscular dystrophy type 2O; Muscular dystrophy-dystroglycanopathy (congenital with impaired intellectual development), type B, 3. Last evaluated: 2022-10-05. Review status: criteria provided, single submitter. Criteria: Invitae Variant Classification Sherloc (09022015). Collection method: clinical testing. Allele origin: germline.
Comment: This sequence change replaces arginine, which is basic and polar, with tryptophan, which is neutral and slightly polar, at codon 16 of the POMGNT1 protein (p.Arg16Trp). This variant is present in population databases (rs34058684, gnomAD 0.008%). This variant has not been reported in the literature in individuals affected with POMGNT1-related conditions. ClinVar contains an entry for this variant (Variation ID: 286147). Advanced modeling of protein sequence and biophysical properties (such as structural, functional, and spatial information, amino acid conservation, physicochemical variation, residue mobility, and thermodynamic stability) performed at Invitae indicates that this missense variant is not expected to disrupt POMGNT1 protein function. In summary, the available evidence is currently insufficient to determine the role of this variant in disease. Therefore, it has been classified as a Variant of Uncertain Significance.

Mayo Clinic Laboratories, Mayo Clinic
Classification: Uncertain significance. Last evaluated: 2021-08-02. Review status: criteria provided, single submitter. Criteria: ACMG Guidelines, 2015. Collection method: clinical testing. Allele origin: germline.

GeneDx
Classification: Uncertain significance. Last evaluated: 2021-06-08. Review status: criteria provided, single submitter. Criteria: GeneDx Variant Classification Process June 2021. Collection method: clinical testing. Allele origin: germline. Affected: yes.
Comment: Not observed at significant frequency in large population cohorts (Lek et al., 2016); In silico analysis supports that this missense variant does not alter protein structure/function; Has not been previously published as pathogenic or benign to our knowledge

Revvity Omics, Revvity
Classification: Uncertain significance. Last evaluated: 2019-02-21. Review status: criteria provided, single submitter. Criteria: ACMG Guidelines, 2015. Collection method: clinical testing. Allele origin: germline.

Eurofins Ntd Llc (ga)
Classification: Uncertain significance. Last evaluated: 2018-04-04. Review status: criteria provided, single submitter. Criteria: EGL ClinVar v180209 classification definitions. Collection method: clinical testing. Allele origin: germline. Observed: 3 variant alleles, 3 heterozygotes.

Illumina Laboratory Services, Illumina
Classification: Uncertain significance for Congenital Muscular Dystrophy, alpha-dystroglycan related. Last evaluated: 2018-01-13. Review status: criteria provided, single submitter. Criteria: ICSL Variant Classification Criteria 13 December 2019. Collection method: clinical testing. Allele origin: germline.

Illumina Laboratory Services, Illumina
Classification: Uncertain significance for Autosomal recessive limb-girdle muscular dystrophy type 2O. Last evaluated: 2018-01-13. Review status: criteria provided, single submitter. Criteria: ICSL Variant Classification Criteria 13 December 2019. Collection method: clinical testing. Allele origin: germline.

Natera, Inc.
Classification: Uncertain significance for Muscle-eye-brain disease. Last evaluated: 2020-01-29. Review status: no assertion criteria provided. Collection method: clinical testing. Allele origin: germline. Not counted in ClinVar's aggregate classification.